The following is an entry in ClinVar:

NM_000123.4(ERCC5):c.617C>T (p.Thr206Ile)

Genes: BIVM-ERCC5 (BIVM-ERCC5 readthrough; plus strand), ERCC5 (ERCC excision repair 5, endonuclease; plus strand). Cytogenetic location: 13q33.1.
Variant type: single nucleotide variant.
Coding change: c.617C>T on transcript NM_000123.4 (MANE Select); coding-DNA position 617, C replaced by T.
Protein change: p.Thr206Ile; replaces threonine 206 with isoleucine.
Molecular consequence: missense variant.
Genome position (GRCh38, 1-based): chr13:102,858,363, C>T. VCF-style: chr13-102858363-C-T. GRCh37 (hg19) VCF-style: chr13-103510713-C-T.
Other names: c.1979C>T, p.Thr660Ile (NM_001204425.2); short protein forms T660I, T206I.
Identifiers: ClinVar variation 2014078 (VCV002014078.4), dbSNP rs2501551713, ClinGen allele CA388570038.

ClinVar aggregate classification (germline): Uncertain significance (1 of 4 stars; one submission).

Submission:

Labcorp Genetics (formerly Invitae), Labcorp
Classification: Uncertain significance. Last evaluated: 2022-07-04. Review status: criteria provided, single submitter. Criteria: Invitae Variant Classification Sherloc (09022015). Collection method: clinical testing. Allele origin: germline.
Comment: In summary, the available evidence is currently insufficient to determine the role of this variant in disease. Therefore, it has been classified as a Variant of Uncertain Significance. Algorithms developed to predict the effect of missense changes on protein structure and function are either unavailable or do not agree on the potential impact of this missense change (SIFT: "Deleterious"; PolyPhen-2: "Probably Damaging"; Align-GVGD: "Class C0"). This variant has not been reported in the literature in individuals affected with ERCC5-related conditions. This variant is not present in population databases (gnomAD no frequency). This sequence change replaces threonine, which is neutral and polar, with isoleucine, which is neutral and non-polar, at codon 206 of the ERCC5 protein (p.Thr206Ile).